The following is an entry in ClinVar:

NM_004525.3(LRP2):c.6673C>T (p.Arg2225Ter)

Gene: LRP2 (LDL receptor related protein 2; minus strand). Cytogenetic location: 2q31.1.
Variant type: single nucleotide variant.
Coding change: c.6673C>T on transcript NM_004525.3 (MANE Select); coding-DNA position 6673, C replaced by T.
Protein change: p.Arg2225Ter; replaces arginine 2225 with a stop codon.
Molecular consequence: nonsense.
Genome position (GRCh38, 1-based): chr2:169,207,047, G>A on the plus strand (C>T on the coding strand, the complement: LRP2 is on the minus strand). VCF-style: chr2-169207047-G-A. GRCh37 (hg19) VCF-style: chr2-170063557-G-A.
Other names: short protein forms R2225*.
Identifiers: ClinVar variation 1324679 (VCV001324679.9), dbSNP rs866520787, ClinGen allele CA59934374.

ClinVar aggregate classification (germline): Pathogenic/Likely pathogenic. Review status: criteria provided, multiple submitters, no conflicts (2 of 4 stars). 3 submissions from 3 submitters: Pathogenic (2); Likely pathogenic (1). Last evaluated 2024-12-19.

Conditions:
Donnai-Barrow syndrome. Also called: DBS/FOAR SYNDROME; FACIOOCULOACOUSTICORENAL SYNDROME. Identifiers: Orphanet 2143, MedGen C1857277, MONDO:0009104, OMIM 222448.

gnomAD v4.1: 3 of 1,614,154 alleles (0.00019%); highest among the groups gnomAD compares: Non-Finnish European, 0.00025%; no homozygotes.

Submissions (3):

Myriad Genetics, Inc.
Classification: Pathogenic for Donnai-Barrow syndrome. Last evaluated: 2024-12-19. Review status: criteria provided, single submitter. Criteria: Myriad Autosomal Dominant, Autosomal Recessive and X-Linked Classification Criteria (2023). Collection method: clinical testing. Allele origin: unknown.
Comment: NM_004525.2(LRP2):c.6673C>T(R2225*) is expected to be pathogenic in the context of Donnai-Barrow syndrome. This variant is predicted to lead to an abnormal or absent protein product due to the creation of a premature termination codon in LRP2, a gene where loss-of-function variants are known to be pathogenic. Please note: this variant was assessed in the context of healthy population screening.

Labcorp Genetics (formerly Invitae), Labcorp
Classification: Pathogenic. Last evaluated: 2024-02-22. Review status: criteria provided, single submitter. Criteria: Invitae Variant Classification Sherloc (09022015). Collection method: clinical testing. Allele origin: germline.
Comment: This sequence change creates a premature translational stop signal (p.Arg2225*) in the LRP2 gene. It is expected to result in an absent or disrupted protein product. Loss-of-function variants in LRP2 are known to be pathogenic (PMID: 17632512, 25682901). This variant is not present in population databases (gnomAD no frequency). This variant has not been reported in the literature in individuals affected with LRP2-related conditions. ClinVar contains an entry for this variant (Variation ID: 1324679). For these reasons, this variant has been classified as Pathogenic.

Clinical Genomics Laboratory, Washington University in St. Louis
Classification: Likely pathogenic for Donnai-Barrow syndrome. Last evaluated: 2024-02-01. Review status: criteria provided, single submitter. Criteria: ACMG Guidelines, 2015. Collection method: clinical testing. Allele origin: germline.
Comment: The LRP2 c.6673C>T (p.Arg2225Ter) variant, to our knowledge, has not been reported in the medical literature and is absent from the general population (gnomAD v.2.1.1), indicating it is not a common variant. This variant causes a stop gain, leading to a premature termination codon, which is predicted to lead to nonsense mediated decay. This variant has been reported in the ClinVar database as a pathogenic germline variant by one submitter. Based on available information and the ACMG/AMP guidelines for variant interpretation (Richards S et al., PMID: 25741868), this variant is classified as likely pathogenic.

Literature cited by the submitters: PubMed 17632512 (cited by Labcorp Genetics (formerly Invitae), Labcorp); PubMed 25682901 (cited by Labcorp Genetics (formerly Invitae), Labcorp).